The following is an entry in ClinVar:

NM_001184880.2(PCDH19):c.51G>A (p.Thr17=)

Gene: PCDH19 (protocadherin 19; minus strand). Cytogenetic location: Xq22.1.
Variant type: single nucleotide variant.
Coding change: c.51G>A on transcript NM_001184880.2 (MANE Select); coding-DNA position 51, G replaced by A.
Protein change: p.Thr17=; no amino-acid change (threonine 17 retained).
Molecular consequence: synonymous variant.
Genome position (GRCh38, 1-based): chrX:100,408,547, C>T on the plus strand (G>A on the coding strand, the complement: PCDH19 is on the minus strand). VCF-style: chrX-100408547-C-T. GRCh37 (hg19) VCF-style: chrX-99663545-C-T.
Other names: c.51G>A, p.Thr17= (NM_001105243.2, NM_020766.3).
Identifiers: ClinVar variation 390017 (VCV000390017.10), dbSNP rs756958731, ClinGen allele CA10469021.
Genomic context (GRCh38, chrX:100,408,547, plus strand): 5'-CGTCCCGGCGCGCTGCTCCTCTTCTACCGAGTACTTGAGATTAATGAGGGCGGCAGCCTG[C>T]GTCCACAGTATGGCCAGCAGCAGCAGCACCGGCAGCAGGAGCGACTCCATGGCTGCACGG-3'
Protein context (NP_001171809.1, residues 7-27): PVLLLLAILW[Thr17=]QAAALINLKY

ClinVar aggregate classification (germline): Likely benign. Review status: criteria provided, multiple submitters, no conflicts (2 of 4 stars). 2 submissions from 2 submitters: Likely benign (2). Last evaluated 2025-06-10.

Conditions:
Developmental and epileptic encephalopathy, 9 (DEE9). Also called: EPILEPSY, FEMALE-RESTRICTED, WITH MENTAL RETARDATION; Early infantile epileptic encephalopathy 9; JUBERG-HELLMAN SYNDROME; PCDH19-Related X-Linked Female-Limited Epilepsy with Mental Retardation. Identifiers: Orphanet 101039, Orphanet 2076, MedGen C1848137, MONDO:0010246, OMIM 300088. Disease mechanism: loss of function.

Allele frequency attached by ClinVar (database versions not stated): gnomAD exomes below 0.00001 and 0.00003; TOPMed 0.00001; ExAC 0.00002.
gnomAD v4.1: 3 of 1,196,148 alleles (0.00025%); highest among the groups gnomAD compares: Admixed American, 0.0066%; no homozygotes.

Submissions (2):

Labcorp Genetics (formerly Invitae), Labcorp
Classification: Likely benign for Developmental and epileptic encephalopathy, 9. Last evaluated: 2025-06-10. Review status: criteria provided, single submitter. Criteria: Invitae Variant Classification Sherloc (09022015). Collection method: clinical testing. Allele origin: germline.

GeneDx
Classification: Likely benign. Last evaluated: 2016-10-13. Review status: criteria provided, single submitter. Criteria: GeneDx Variant Classification (06012015). Collection method: clinical testing. Allele origin: germline. Affected: yes.
Comment: This variant is considered likely benign or benign based on one or more of the following criteria: it is a conservative change, it occurs at a poorly conserved position in the protein, it is predicted to be benign by multiple in silico algorithms, and/or has population frequency not consistent with disease.